The following is an entry in ClinVar:

ClinVar aggregate classification (germline): Uncertain significance (1 of 4 stars; one submission).

Conditions:
Catecholaminergic polymorphic ventricular tachycardia 1. Also called: VENTRICULAR TACHYCARDIA, STRESS-INDUCED POLYMORPHIC 1; VENTRICULAR TACHYCARDIA, CATECHOLAMINERGIC POLYMORPHIC, 1, WITH OR WITHOUT ATRIAL DYSFUNCTION AND/OR DILATED CARDIOMYOPATHY; RYR2-Related Catecholaminergic Polymorphic Ventricular Tachycardia. Identifiers: Orphanet 3286, MedGen C1631597, MONDO:0011484, OMIM 604772.

Submission:

Labcorp Genetics (formerly Invitae), Labcorp
Classification: Uncertain significance for Catecholaminergic polymorphic ventricular tachycardia 1. Last evaluated: 2025-01-27. Review status: criteria provided, single submitter. Criteria: Invitae Variant Classification Sherloc (09022015). Collection method: clinical testing. Allele origin: germline.
Comment: This sequence change replaces threonine, which is neutral and polar, with isoleucine, which is neutral and non-polar, at codon 4293 of the RYR2 protein (p.Thr4293Ile). This variant is not present in population databases (gnomAD no frequency). This variant has not been reported in the literature in individuals affected with RYR2-related conditions. Invitae Evidence Modeling of protein sequence and biophysical properties (such as structural, functional, and spatial information, amino acid conservation, physicochemical variation, residue mobility, and thermodynamic stability) indicates that this missense variant is not expected to disrupt RYR2 protein function with a negative predictive value of 95%. In summary, the available evidence is currently insufficient to determine the role of this variant in disease. Therefore, it has been classified as a Variant of Uncertain Significance.

NM_001035.3(RYR2):c.12878C>T (p.Thr4293Ile)

Genes: RYR2 (ryanodine receptor 2; plus strand), LOC126806068 (BRD4-independent group 4 enhancer GRCh37_chr1:237947411-237948610; plus strand). Cytogenetic location: 1q43.
Variant type: single nucleotide variant.
Coding change: c.12878C>T on transcript NM_001035.3 (MANE Select); coding-DNA position 12878, C replaced by T.
Protein change: p.Thr4293Ile; replaces threonine 4293 with isoleucine.
Molecular consequence: missense variant.
Genome position (GRCh38, 1-based): chr1:237,784,590, C>T. VCF-style: chr1-237784590-C-T. GRCh37 (hg19) VCF-style: chr1-237947890-C-T.
Other names: short protein forms T4293I.
Identifiers: ClinVar variation 3712402 (VCV003712402.2).
Genomic context (GRCh38, chr1:237,784,590, plus strand): 5'-AGATGACCGTGAAGGACATGGTCACGGCCTTCTTTTCATCCTACTGGAGTATTTTCATGA[C>T]CCTCTTGCACTTCGTGGCCAGCGTTTTCAGAGGCTTTTTCCGCATCATTTGCAGCCTGCT-3'
Protein context (NP_001026.2, residues 4283-4303): FFSSYWSIFM[Thr4293Ile]LLHFVASVFR